The following is an entry in ClinVar:

NM_001845.6(COL4A1):c.2992A>G (p.Ser998Gly)

Gene: COL4A1 (collagen type IV alpha 1 chain; minus strand). Cytogenetic location: 13q34.
Variant type: single nucleotide variant.
Coding change: c.2992A>G on transcript NM_001845.6 (MANE Select); coding-DNA position 2992, A replaced by G.
Protein change: p.Ser998Gly; replaces serine 998 with glycine.
Molecular consequence: missense variant.
Genome position (GRCh38, 1-based): chr13:110,176,490, T>C on the plus strand (A>G on the coding strand, the complement: COL4A1 is on the minus strand). VCF-style: chr13-110176490-T-C. GRCh37 (hg19) VCF-style: chr13-110828837-T-C.
Other names: short protein forms S998G.
Identifiers: ClinVar variation 2697023 (VCV002697023.3), dbSNP rs2501775705, ClinGen allele CA388665925.

ClinVar aggregate classification (germline): Uncertain significance (1 of 4 stars; one submission).

Submission:

Labcorp Genetics (formerly Invitae), Labcorp
Classification: Uncertain significance. Last evaluated: 2023-11-18. Review status: criteria provided, single submitter. Criteria: Invitae Variant Classification Sherloc (09022015). Collection method: clinical testing. Allele origin: germline.
Comment: This sequence change replaces serine, which is neutral and polar, with glycine, which is neutral and non-polar, at codon 998 of the COL4A1 protein (p.Ser998Gly). This variant is not present in population databases (gnomAD no frequency). This variant has not been reported in the literature in individuals affected with COL4A1-related conditions. Algorithms developed to predict the effect of missense changes on protein structure and function output the following: SIFT: "Not Available"; PolyPhen-2: "Benign"; Align-GVGD: "Not Available". The glycine amino acid residue is found in multiple mammalian species, which suggests that this missense change does not adversely affect protein function. In summary, the available evidence is currently insufficient to determine the role of this variant in disease. Therefore, it has been classified as a Variant of Uncertain Significance.